The following is an entry in ClinVar:

NM_001378454.1(ALMS1):c.9610A>T (p.Ile3204Leu)

Gene: ALMS1 (ALMS1 centrosome and basal body associated protein; plus strand). Cytogenetic location: 2p13.1.
Variant type: single nucleotide variant.
Coding change: c.9610A>T on transcript NM_001378454.1 (MANE Select); coding-DNA position 9610, A replaced by T.
Protein change: p.Ile3204Leu; replaces isoleucine 3204 with leucine.
Molecular consequence: missense variant.
Genome position (GRCh38, 1-based): chr2:73,519,845, A>T. VCF-style: chr2-73519845-A-T. GRCh37 (hg19) VCF-style: chr2-73746972-A-T.
Other names: c.9613A>T, p.Ile3205Leu (NM_015120.4); short protein forms I3204L, I3205L.
Identifiers: ClinVar variation 3343335 (VCV003343335.1).

ClinVar aggregate classification (germline): Uncertain significance (1 of 4 stars; one submission).

Submission:

GeneDx
Classification: Uncertain significance. Last evaluated: 2023-05-04. Review status: criteria provided, single submitter. Criteria: GeneDx Variant Classification Process June 2021. Collection method: clinical testing. Allele origin: germline. Affected: yes.
Comment: Not observed at significant frequency in large population cohorts (gnomAD); In silico analysis supports that this missense variant has a deleterious effect on protein structure/function; Has not been previously published as pathogenic or benign to our knowledge